The following is an entry in ClinVar:

NM_012431.3(SEMA3E):c.1324G>C (p.Glu442Gln)

Gene: SEMA3E (semaphorin 3E; minus strand). Cytogenetic location: 7q21.11.
Variant type: single nucleotide variant.
Coding change: c.1324G>C on transcript NM_012431.3 (MANE Select); coding-DNA position 1324, G replaced by C.
Protein change: p.Glu442Gln; replaces glutamic acid 442 with glutamine.
Molecular consequence: missense variant.
Genome position (GRCh38, 1-based): chr7:83,400,070, C>G on the plus strand (G>C on the coding strand, the complement: SEMA3E is on the minus strand). VCF-style: chr7-83400070-C-G. GRCh37 (hg19) VCF-style: chr7-83029386-C-G.
Other names: c.1144G>C, p.Glu382Gln (NM_001178129.2); short protein forms E442Q, E382Q.
Identifiers: ClinVar variation 2148691 (VCV002148691.4), dbSNP rs761338290, ClinGen allele CA4322064.
Genomic context (GRCh38, chr7:83,400,070, plus strand): 5'-ACTTTCTCGTCTCTTTACCTGTCCCAATAAACAAGACGTCATATTGGCCATCCTCAGCTT[C>G]CACTCGATCTACTGCTATTTGTTTCAGGTTATATTTTCCATCTGTTTTTACCAATATTGG-3'
Protein context (NP_036563.1, residues 432-452): NLKQIAVDRV[Glu442Gln]AEDGQYDVLF

ClinVar aggregate classification (germline): Uncertain significance (1 of 4 stars; one submission).

Conditions:
CHARGE syndrome (CHARGE). Also called: Hittner Hirsch Kreh syndrome; CHARGE ASSOCIATION--COLOBOMA, HEART ANOMALY, CHOANAL ATRESIA, RETARDATION, GENITAL AND EAR ANOMALIES; Coloboma, heart anomaly, choanal atresia, retardation, genital and ear anomalies; CHARGE association; Hall-Hittner syndrome. Identifiers: Orphanet 138, MedGen C0265354, MONDO:0008965.

Allele frequency attached by ClinVar (database versions not stated): ExAC 0.00001.
gnomAD v4.1: 1 of 1,614,072 alleles (0.000062%); highest among the groups gnomAD compares: African/African-American, 0.0013%; no homozygotes.

Submission:

Labcorp Genetics (formerly Invitae), Labcorp
Classification: Uncertain significance for CHARGE syndrome. Last evaluated: 2022-02-28. Review status: criteria provided, single submitter. Criteria: Invitae Variant Classification Sherloc (09022015). Collection method: clinical testing. Allele origin: germline.
Comment: In summary, the available evidence is currently insufficient to determine the role of this variant in disease. Therefore, it has been classified as a Variant of Uncertain Significance. Algorithms developed to predict the effect of missense changes on protein structure and function are either unavailable or do not agree on the potential impact of this missense change (SIFT: "Deleterious"; PolyPhen-2: "Benign"; Align-GVGD: "Class C0"). This variant has not been reported in the literature in individuals affected with SEMA3E-related conditions. This variant is present in population databases (rs761338290, gnomAD 0.007%). This sequence change replaces glutamic acid, which is acidic and polar, with glutamine, which is neutral and polar, at codon 442 of the SEMA3E protein (p.Glu442Gln).